The following is an entry in ClinVar:

NM_000293.3(PHKB):c.1409A>G (p.Tyr470Cys)

Gene: PHKB (phosphorylase kinase regulatory subunit beta; plus strand). Cytogenetic location: 16q12.1.
Variant type: single nucleotide variant.
Coding change: c.1409A>G on transcript NM_000293.3 (MANE Select); coding-DNA position 1409, A replaced by G.
Protein change: p.Tyr470Cys; replaces tyrosine 470 with cysteine.
Molecular consequence: missense variant.
Genome position (GRCh38, 1-based): chr16:47,610,871, A>G. VCF-style: chr16-47610871-A-G. GRCh37 (hg19) VCF-style: chr16-47644782-A-G.
Other names: c.1388A>G, p.Tyr463Cys (NM_001031835.3); c.1409A>G, p.Tyr470Cys (NM_001363837.1); c.1409A>G (NM_000293.2); short protein forms Y463C, Y470C.
Identifiers: ClinVar variation 2155022 (VCV002155022.4), dbSNP rs771367256, ClinGen allele CA8040807.

ClinVar aggregate classification (germline): Uncertain significance. Review status: criteria provided, multiple submitters, no conflicts (2 of 4 stars). 3 submissions from 3 submitters: Uncertain significance (3). Last evaluated 2025-06-06.

Conditions:
Glycogen storage disease IXb (GSD9B). Also called: GLYCOGENOSIS OF LIVER AND MUSCLE, AUTOSOMAL RECESSIVE; GSD IXb; PHOSPHORYLASE KINASE DEFICIENCY OF LIVER AND MUSCLE, AUTOSOMAL RECESSIVE. Identifiers: Orphanet 79240, MedGen C0543514, MONDO:0009868, OMIM 261750.
Inborn genetic diseases. Identifiers: MedGen C0950123, MeSH D030342.

Allele frequency attached by ClinVar (database versions not stated): TOPMed 0.00009; gnomAD 0.00010; ExAC 0.00004.
gnomAD v4.1: 59 of 1,609,090 alleles (0.0037%); highest among the groups gnomAD compares: Admixed American, 0.035%; no homozygotes.

Submissions (3):

Dasa
Classification: Uncertain significance. Last evaluated: 2025-06-06. Review status: criteria provided, single submitter. Criteria: DASA Assertion Criteria. Collection method: clinical testing. Allele origin: germline.
Comment: NM_000293.3(PHKB):c.1409A>G (p.Tyr470Cys) is a missense variant that results in the substitution of tyrosine with cysteine. This variant is rare in population databases. The currently available literature and clinical evidence are not sufficient to establish a definitive association between this variant and the reported condition. Therefore, this variant is classified as a variant of uncertain significance.

Labcorp Genetics (formerly Invitae), Labcorp
Classification: Uncertain significance for Glycogen storage disease IXb. Last evaluated: 2022-10-20. Review status: criteria provided, single submitter. Criteria: Invitae Variant Classification Sherloc (09022015). Collection method: clinical testing. Allele origin: germline.
Comment: This sequence change replaces tyrosine, which is neutral and polar, with cysteine, which is neutral and slightly polar, at codon 470 of the PHKB protein (p.Tyr470Cys). This variant is present in population databases (rs771367256, gnomAD 0.04%). This variant has not been reported in the literature in individuals affected with PHKB-related conditions. Algorithms developed to predict the effect of missense changes on protein structure and function (SIFT, PolyPhen-2, Align-GVGD) all suggest that this variant is likely to be disruptive. In summary, the available evidence is currently insufficient to determine the role of this variant in disease. Therefore, it has been classified as a Variant of Uncertain Significance.

Ambry Genetics
Classification: Uncertain significance for Inborn genetic diseases. Last evaluated: 2022-09-28. Review status: criteria provided, single submitter. Criteria: Ambry Variant Classification Scheme 2023. Collection method: clinical testing. Allele origin: germline.